The following is an entry in ClinVar:

ClinVar aggregate classification (germline): Benign/Likely benign. Review status: criteria provided, multiple submitters, no conflicts (2 of 4 stars). 2 submissions from 2 submitters: Benign (1); Likely benign (1). Last evaluated 2026-01-03.

Conditions:
GRHPR-related disorder. Also called: GRHPR-related condition.

Submissions (2):

Labcorp Genetics (formerly Invitae), Labcorp
Classification: Likely benign. Last evaluated: 2026-01-03. Review status: criteria provided, single submitter. Criteria: Invitae Variant Classification Sherloc (09022015). Collection method: clinical testing. Allele origin: germline.

PreventionGenetics, part of Exact Sciences
Classification: Benign for GRHPR-related condition. Last evaluated: 2024-11-14. Review status: criteria provided, single submitter. Criteria: ACMG Guidelines, 2015. Collection method: clinical testing. Allele origin: germline.
Comment: This variant is classified as benign based on ACMG/AMP sequence variant interpretation guidelines (Richards et al. 2015 PMID: 25741868, with internal and published modifications).

NM_012203.2(GRHPR):c.866-25CT[6]

Gene: GRHPR (glyoxylate and hydroxypyruvate reductase; plus strand). Cytogenetic location: 9p13.2.
Variant type: Microsatellite.
Coding change: c.866-25CT[6] on transcript NM_012203.2 (MANE Select); six copies in a row of the 2-base unit CT starting at c.866-25.
Molecular consequence: intron variant.
Genome position: GRCh38 VCF-style: chr9-37436635-CCTCT-C. GRCh37 (hg19) VCF-style: chr9-37436632-CCTCT-C.
Other names: c.866-12_866-9delTCTC (NM_012203.1).
Identifiers: ClinVar variation 2731099 (VCV002731099.4), dbSNP rs34302950, ClinGen allele CA5059322.